The following is an entry in ClinVar:

NM_001082538.3(TCTN1):c.163_164delinsAA (p.Gly55Lys)

Gene: TCTN1 (tectonic family member 1; plus strand). Cytogenetic location: 12q24.11.
Variant type: Indel.
Coding change: c.163_164delinsAA on transcript NM_001082538.3 (MANE Select); coding-DNA positions 163 to 164, GG replaced by AA.
Protein change: p.Gly55Lys; replaces glycine 55 with lysine.
Molecular consequence: missense variant. On other transcripts: 5 prime UTR variant (4), non-coding transcript variant (1).
Genome position (GRCh38, 1-based): chr12:110,614,345-110,614,346, GG replaced by AA. VCF-style: chr12-110614345-GG-AA. GRCh37 (hg19) VCF-style: chr12-111052150-GG-AA.
Other names: c.163_164delinsAA, p.Gly55Lys (NM_001082537.3, NM_001319680.2, NM_024549.6); c.-67_-66delinsAA (NM_001173975.3, NM_001319682.3); c.-94_-93delinsAA (NM_001173976.2); c.-545_-544delinsAA (NM_001319681.2); short protein forms G55K.
Identifiers: ClinVar variation 2153948 (VCV002153948.4), dbSNP rs2548753787, ClinGen allele CA2580085789.
Genomic context (GRCh38, chr12:110,614,345, plus strand): 5'-CTCAACTCCACCGAGGCAGCCCTGGCCACCTTCGGAACTTTCCCGTCGACCAGGCCCCCC[GG>AA]GACTCCCAGGGCTCCAGGGCCCTCCTCCGGCCCCAGGCCTACCCCAGTCACGGACGGTGG-3'
Protein context (NP_001076007.1, residues 45-65): FGTFPSTRPP[Gly55Lys]TPRAPGPSSG

ClinVar aggregate classification (germline): Uncertain significance (1 of 4 stars; one submission).

Conditions:
Joubert syndrome. Also called: CEREBELLOPARENCHYMAL DISORDER IV; JOUBERT-BOLTSHAUSER SYNDROME; Familial aplasia of the vermis. Identifiers: Orphanet 475, MedGen C5979921, MONDO:0018772.
Meckel-Gruber syndrome. Also called: DYSENCEPHALIA SPLANCHNOCYSTICA; GRUBER SYNDROME; Dysencephalia splachnocystica. Identifiers: Orphanet 564, MedGen C0265215, MONDO:0018921.

Submission:

Labcorp Genetics (formerly Invitae), Labcorp
Classification: Uncertain significance for Joubert syndrome; Meckel-Gruber syndrome. Last evaluated: 2022-02-06. Review status: criteria provided, single submitter. Criteria: Invitae Variant Classification Sherloc (09022015). Collection method: clinical testing. Allele origin: germline.
Comment: This variant has not been reported in the literature in individuals affected with TCTN1-related conditions. Algorithms developed to predict the effect of missense changes on protein structure and function are either unavailable or do not agree on the potential impact of this missense change (SIFT: "Not Available"; PolyPhen-2: "Possibly Damaging"; Align-GVGD: "Not Available"). In summary, the available evidence is currently insufficient to determine the role of this variant in disease. Therefore, it has been classified as a Variant of Uncertain Significance. This variant is present in population databases (no rsID available, gnomAD 0.1%). This sequence change replaces glycine, which is neutral and non-polar, with lysine, which is basic and polar, at codon 55 of the TCTN1 protein (p.Gly55Lys).